The following is an entry in ClinVar:

ClinVar aggregate classification (germline): Pathogenic (1 of 4 stars; one submission).

Submission:

CeGaT Center for Human Genetics Tuebingen
Classification: Pathogenic. Last evaluated: 2023-07-01. Review status: criteria provided, single submitter. Criteria: CeGaT Center For Human Genetics Tuebingen Variant Classification Criteria Version 2. Collection method: clinical testing. Allele origin: germline. Affected: yes. Observed: 1 variant allele.
Comment: COL7A1: PVS1, PM2

NM_000094.4(COL7A1):c.6718delinsGA (p.Pro2240fs)

Gene: COL7A1 (collagen type VII alpha 1 chain; minus strand). Cytogenetic location: 3p21.31.
Variant type: Indel.
Coding change: c.6718delinsGA on transcript NM_000094.4 (MANE Select); coding-DNA position 6718, C replaced by GA.
Protein change: p.Pro2240fs; shifts the reading frame from proline 2240.
Molecular consequence: frameshift variant.
Genome position (GRCh38, 1-based): chr3:48,573,053, G replaced by TC on the plus strand (C replaced by GA on the coding strand, the reverse complement: COL7A1 is on the minus strand). VCF-style: chr3-48573053-G-TC. GRCh37 (hg19) VCF-style: chr3-48610486-G-TC.
Other names: short protein forms P2240fs.
Identifiers: ClinVar variation 2578942 (VCV002578942.25), dbSNP rs2530915554, ClinGen allele CA2580617905.